The following is an entry in ClinVar:

NM_138694.4(PKHD1):c.2642T>C (p.Val881Ala)

Gene: PKHD1 (PKHD1 ciliary IPT domain containing fibrocystin/polyductin; minus strand). Cytogenetic location: 6p12.2.
Variant type: single nucleotide variant.
Coding change: c.2642T>C on transcript NM_138694.4 (MANE Select); coding-DNA position 2642, T replaced by C.
Protein change: p.Val881Ala; replaces valine 881 with alanine.
Molecular consequence: missense variant.
Genome position (GRCh38, 1-based): chr6:52,045,039, A>G on the plus strand (T>C on the coding strand, the complement: PKHD1 is on the minus strand). VCF-style: chr6-52045039-A-G. GRCh37 (hg19) VCF-style: chr6-51909837-A-G.
Other names: c.2642T>C, p.Val881Ala (NM_170724.3); short protein forms V881A.
Identifiers: ClinVar variation 928525 (VCV000928525.2), dbSNP rs373974753, ClinGen allele CA138963504.

ClinVar aggregate classification (germline): Uncertain significance. Review status: criteria provided, single submitter (1 of 4 stars). 2 submissions from 2 submitters: Uncertain significance (1). 1 of the submissions does not count toward it. Last evaluated 2019-04-17.

Conditions:
Autosomal recessive polycystic kidney disease (ARPKD). Also called: AR polycystic kidney disease. Identifiers: Orphanet 731, Orphanet 8378, MedGen C0085548, MeSH D017044, MONDO:0009889.

Allele frequency attached by ClinVar (database versions not stated): ESP Exome Variant Server 0.00008.

Submissions (2):

Women's Health and Genetics/Laboratory Corporation of America, LabCorp
Classification: Uncertain significance. Last evaluated: 2019-04-17. Review status: criteria provided, single submitter. Criteria: LabCorp Variant Classification Summary - May 2015. Collection method: clinical testing. Allele origin: germline.
Comment: Variant summary: PKHD1 c.2642T>C (p.Val881Ala) results in a non-conservative amino acid change in the encoded protein sequence. Four of five in-silico tools predict a damaging effect of the variant on protein function. The variant was absent in 251188 control chromosomes (gnomAD). The available data on variant occurrences in the general population are insufficient to allow any conclusion about variant significance. To our knowledge, no occurrence of c.2642T>C in individuals affected with Polycystic Kidney and Hepatic Disease and no experimental evidence demonstrating its impact on protein function have been reported. No clinical diagnostic laboratories have submitted clinical-significance assessments for this variant to ClinVar after 2014. Based on the evidence outlined above, the variant was classified as uncertain significance.

Natera, Inc.
Classification: Uncertain significance for Autosomal recessive polycystic kidney disease. Last evaluated: 2020-12-30. Review status: no assertion criteria provided. Collection method: clinical testing. Allele origin: germline. Not counted in ClinVar's aggregate classification.